The following is an entry in ClinVar:

ClinVar aggregate classification (germline): Pathogenic (1 of 4 stars; one submission).

Conditions:
Glycine encephalopathy. Also called: Nonketotic hyperglycinemia; Non-ketotic hyperglycinemia. Identifiers: Orphanet 407, MedGen C0751748, MONDO:0011612, HP:0008288.

Submission:

Labcorp Genetics (formerly Invitae), Labcorp
Classification: Pathogenic for Glycine encephalopathy. Last evaluated: 2022-05-23. Review status: criteria provided, single submitter. Criteria: Invitae Variant Classification Sherloc (09022015). Collection method: clinical testing. Allele origin: germline.
Comment: This sequence change creates a premature translational stop signal (p.Arg927Glyfs*19) in the GLDC gene. It is expected to result in an absent or disrupted protein product. Loss-of-function variants in GLDC are known to be pathogenic (PMID: 16601880). For these reasons, this variant has been classified as Pathogenic. This variant has not been reported in the literature in individuals affected with GLDC-related conditions. This variant is not present in population databases (gnomAD no frequency).

Literature cited by the submitters: PubMed 16601880.

NM_000170.3(GLDC):c.2778del (p.Arg927fs)

Gene: GLDC (glycine decarboxylase; minus strand). Cytogenetic location: 9p24.1.
Variant type: Deletion.
Coding change: c.2778del on transcript NM_000170.3 (MANE Select); coding-DNA position 2778, one base deleted (T; older notation c.2778delT).
Protein change: p.Arg927fs; shifts the reading frame from arginine 927.
Molecular consequence: frameshift variant.
Genome position (GRCh38, 1-based): chr9:6,536,124, A deleted on the plus strand (T on the coding strand, the reverse complement: GLDC is on the minus strand); the first of 2 consecutive A bases (chr9:6,536,124-6,536,125); deleting either gives the same sequence. VCF-style (leftmost placement, unchanged base first): chr9-6536123-GA-G. GRCh37 (hg19) VCF-style: chr9-6536123-GA-G.
Other names: short protein forms R927fs.
Identifiers: ClinVar variation 1994827 (VCV001994827.4), dbSNP rs2489011374, ClinGen allele CA2580080272.
Genomic context (GRCh38, chr9:6,536,123, plus strand): 5'-CCTTCAGCGGATTGACCCTGGGGTCGATGCGGCCCTCCTCAATGTCAGCAATTTCCTGCC[GA>G]ATGCTGATCATGGCATCACAGAATCTGTCCAGCTCTGCCTTGTCCTCCGACTCAGTGGGC-3'